The following is an entry in ClinVar:

ClinVar aggregate classification (germline): Uncertain significance (1 of 4 stars; one submission).

gnomAD v4.1: 8 of 1,613,516 alleles (0.0005%); highest among the groups gnomAD compares: South Asian, 0.0033%; no homozygotes.

Submission:

Labcorp Genetics (formerly Invitae), Labcorp
Classification: Uncertain significance. Last evaluated: 2024-12-23. Review status: criteria provided, single submitter. Criteria: Invitae Variant Classification Sherloc (09022015). Collection method: clinical testing. Allele origin: germline.
Comment: This sequence change replaces serine, which is neutral and polar, with alanine, which is neutral and non-polar, at codon 829 of the KIAA1549 protein (p.Ser829Ala). This variant is present in population databases (rs775829604, gnomAD 0.003%). This variant has not been reported in the literature in individuals affected with KIAA1549-related conditions. An algorithm developed to predict the effect of missense changes on protein structure and function (PolyPhen-2) suggests that this variant is likely to be disruptive. In summary, the available evidence is currently insufficient to determine the role of this variant in disease. Therefore, it has been classified as a Variant of Uncertain Significance.

NM_001164665.2(KIAA1549):c.2485T>G (p.Ser829Ala)

Gene: KIAA1549 (KIAA1549; minus strand). Cytogenetic location: 7q34.
Variant type: single nucleotide variant.
Coding change: c.2485T>G on transcript NM_001164665.2 (MANE Select); coding-DNA position 2485, T replaced by G.
Protein change: p.Ser829Ala; replaces serine 829 with alanine.
Molecular consequence: missense variant.
Genome position (GRCh38, 1-based): chr7:138,917,141, A>C on the plus strand (T>G on the coding strand, the complement: KIAA1549 is on the minus strand). VCF-style: chr7-138917141-A-C. GRCh37 (hg19) VCF-style: chr7-138601887-A-C.
Other names: c.2485T>G, p.Ser829Ala (NM_020910.3); short protein forms S829A.
Identifiers: ClinVar variation 3607079 (VCV003607079.1).